The following is an entry in ClinVar:

ClinVar aggregate classification (germline): Conflicting classifications of pathogenicity. Review status: criteria provided, conflicting classifications (1 of 4 stars). 4 submissions from 4 submitters: Uncertain significance (2); Likely benign (1). 1 of the submissions does not count toward it. Last evaluated 2023-04-28.

Conditions:
CREBBP-related disorder. Also called: CREBBP-related condition; CREBBP-related disorders.
Menke-Hennekam syndrome 1 (MKHK1). Identifiers: MedGen C5193034, MONDO:0020763, OMIM 618332.
Rubinstein-Taybi syndrome due to CREBBP mutations (RSTS1). Also called: RUBINSTEIN-TAYBI SYNDROME 1, INCOMPLETE; Rubinstein-Taybi syndrome 1; BROAD THUMB-HALLUX SYNDROME; CREBBP-Related Rubinstein-Taybi Syndrome; BROAD THUMBS AND GREAT TOES, CHARACTERISTIC FACIES, AND IMPAIRED INTELLECTUAL DEVELOPMENT; RUBINSTEIN SYNDROME. Identifiers: Orphanet 353277, Orphanet 783, MedGen C4551859, MONDO:0008393, OMIM 180849.

Allele frequency attached by ClinVar (database versions not stated): gnomAD exomes 0.00009 and 0.00007; ExAC 0.00011; gnomAD 0.00013; 1000 Genomes Project 30x 0.00016; 1000 Genomes Project 0.00020; TOPMed 0.00001.

Submissions (4):

Blueprint Genetics
Classification: Likely benign. Last evaluated: 2023-04-28. Review status: criteria provided, single submitter. Criteria: ACMG Guidelines, 2015. Collection method: clinical testing. Allele origin: germline.

Fulgent Genetics
Classification: Uncertain significance for Rubinstein-Taybi syndrome due to CREBBP mutations; Menke-Hennekam syndrome 1. Last evaluated: 2022-01-17. Review status: criteria provided, single submitter. Criteria: ACMG Guidelines, 2015. Collection method: clinical testing. Allele origin: unknown.

Eurofins Ntd Llc (ga)
Classification: Uncertain significance. Last evaluated: 2015-08-13. Review status: criteria provided, single submitter. Criteria: EGL Classification Definitions 2015. Collection method: clinical testing. Allele origin: germline. Observed: 2 variant alleles, 2 heterozygotes.

PreventionGenetics, part of Exact Sciences
Classification: Likely benign for CREBBP-related condition. Last evaluated: 2024-01-22. Review status: no assertion criteria provided. Collection method: clinical testing. Allele origin: germline. Not counted in ClinVar's aggregate classification.
Comment: This variant is classified as likely benign based on ACMG/AMP sequence variant interpretation guidelines (Richards et al. 2015 PMID: 25741868, with internal and published modifications).

NM_004380.3(CREBBP):c.5747T>C (p.Met1916Thr)

Gene: CREBBP (CREB binding lysine acetyltransferase; minus strand). Cytogenetic location: 16p13.3.
Variant type: single nucleotide variant.
Coding change: c.5747T>C on transcript NM_004380.3 (MANE Select); coding-DNA position 5747, T replaced by C.
Protein change: p.Met1916Thr; replaces methionine 1916 with threonine.
Molecular consequence: missense variant.
Genome position (GRCh38, 1-based): chr16:3,729,300, A>G on the plus strand (T>C on the coding strand, the complement: CREBBP is on the minus strand). VCF-style: chr16-3729300-A-G. GRCh37 (hg19) VCF-style: chr16-3779301-A-G.
Other names: c.5633T>C, p.Met1878Thr (NM_001079846.1); c.5747T>C (NM_004380.2); short protein forms M1916T, M1878T.
Identifiers: ClinVar variation 282587 (VCV000282587.9), dbSNP rs559294915, ClinGen allele CA7869249.